The following is an entry in ClinVar:

ClinVar aggregate classification (germline): Likely benign (0 of 4 stars; one submission).

Conditions:
DOCK2-related disorder. Also called: DOCK2-related condition.

Allele frequency attached by ClinVar (database versions not stated): ExAC 0.00001.
gnomAD v4.1: 8 of 1,613,568 alleles (0.0005%); highest among the groups gnomAD compares: South Asian, 0.0088%; no homozygotes.

Submission:

PreventionGenetics, part of Exact Sciences
Classification: Likely benign for DOCK2-related condition. Last evaluated: 2019-04-01. Review status: no assertion criteria provided. Collection method: clinical testing. Allele origin: germline.
Comment: This variant is classified as likely benign based on ACMG/AMP sequence variant interpretation guidelines (Richards et al. 2015 PMID: 25741868, with internal and published modifications).

NM_004946.3(DOCK2):c.1716A>T (p.Arg572=)

Gene: DOCK2 (dedicator of cytokinesis 2; plus strand). Cytogenetic location: 5q35.1.
Variant type: single nucleotide variant.
Coding change: c.1716A>T on transcript NM_004946.3 (MANE Select); coding-DNA position 1716, A replaced by T.
Protein change: p.Arg572=; no amino-acid change (arginine 572 retained).
Molecular consequence: synonymous variant. On other transcripts: non-coding transcript variant (1).
Genome position (GRCh38, 1-based): chr5:169,714,084, A>T. VCF-style: chr5-169714084-A-T. GRCh37 (hg19) VCF-style: chr5-169141088-A-T.
Identifiers: ClinVar variation 3057400 (VCV003057400.2), dbSNP rs760775098, ClinGen allele CA3553573.